The following is an entry in ClinVar:

NM_006073.4(TRDN):c.1367A>G (p.Gln456Arg)

Gene: TRDN (triadin; minus strand). Cytogenetic location: 6q22.31.
Variant type: single nucleotide variant.
Coding change: c.1367A>G on transcript NM_006073.4 (MANE Select); coding-DNA position 1367, A replaced by G.
Protein change: p.Gln456Arg; replaces glutamine 456 with arginine.
Molecular consequence: missense variant.
Genome position (GRCh38, 1-based): chr6:123,352,541, T>C on the plus strand (A>G on the coding strand, the complement: TRDN is on the minus strand). VCF-style: chr6-123352541-T-C. GRCh37 (hg19) VCF-style: chr6-123673686-T-C.
Other names: p.Gln456Arg; c.1370A>G, p.Gln457Arg (NM_001251987.2); short protein forms Q456R, Q457R.
Identifiers: ClinVar variation 229345 (VCV000229345.58), dbSNP rs200243235, ClinGen allele CA3983985.
Genomic context (GRCh38, chr6:123,352,541, plus strand): 5'-TCCGCATGTTGTTGTCTTTCTAAAGAAGATAATGTCAACCTCCTTCATTTTTTTTTACCT[T>C]GCTCCACTGTCTTGGTTGTTTTCTCTTCCTTCTTTCCAGGTACAGCTGCAAAACAAAGAT-3'
Protein context (NP_006064.2, residues 446-466): KEEKTTKTVE[Gln456Arg]EIRKEKSGKT

ClinVar aggregate classification (germline): Conflicting classifications of pathogenicity. Review status: criteria provided, conflicting classifications (1 of 4 stars). 13 submissions from 13 submitters: Uncertain significance (5); Likely benign (6). 2 of the submissions do not count toward it. Last evaluated 2026-02-04.

Conditions:
TRDN-related disorder. Also called: TRDN-related condition.
Cardiovascular phenotype. Identifiers: MedGen CN230736.
Catecholaminergic polymorphic ventricular tachycardia 5 (CARDAR). Also called: Ventricular tachycardia, catecholaminergic polymorphic, 5, with or without muscle weakness; CARDIAC ARRHYTHMIA SYNDROME, WITH OR WITHOUT SKELETAL MUSCLE WEAKNESS. Identifiers: Orphanet 3286, MedGen C3809536, MONDO:0014191, OMIM 615441.
Catecholaminergic polymorphic ventricular tachycardia 1. Also called: RYR2-Related Catecholaminergic Polymorphic Ventricular Tachycardia; VENTRICULAR TACHYCARDIA, STRESS-INDUCED POLYMORPHIC 1; VENTRICULAR TACHYCARDIA, CATECHOLAMINERGIC POLYMORPHIC, 1, WITH OR WITHOUT ATRIAL DYSFUNCTION AND/OR DILATED CARDIOMYOPATHY. Identifiers: Orphanet 3286, MedGen C1631597, MONDO:0011484, OMIM 604772.

Allele frequency attached by ClinVar (database versions not stated): 1000 Genomes Project 0.00040; 1000 Genomes Project 30x 0.00047; gnomAD exomes 0.00119 and 0.00210; ExAC 0.00123; TOPMed 0.00124; gnomAD 0.00128 and 0.00132; ESP Exome Variant Server 0.00244.
gnomAD v4.1: 3,247 of 1,611,392 alleles (0.2%); highest among the groups gnomAD compares: Non-Finnish European, 0.25%; 5 homozygotes.

Submissions (13):

Labcorp Genetics (formerly Invitae), Labcorp
Classification: Likely benign for Catecholaminergic polymorphic ventricular tachycardia 1. Last evaluated: 2026-02-04. Review status: criteria provided, single submitter. Criteria: Invitae Variant Classification Sherloc (09022015). Collection method: clinical testing. Allele origin: germline.

GeneDx
Classification: Uncertain significance. Last evaluated: 2025-09-09. Review status: criteria provided, single submitter. Criteria: GeneDx Variant Classification Process June 2021. Collection method: clinical testing. Allele origin: germline. Affected: yes.
Comment: Reported in individuals with DCM and unexplained cardiac arrest (PMID: 32746448, 35352813); In silico analysis suggests that this missense variant does not alter protein structure/function; Also known as p.(Q457R); This variant is associated with the following publications: (PMID: 35932045, 23035052, 32746448, 35352813, 37937776)

CeGaT Center for Human Genetics Tuebingen
Classification: Likely benign. Last evaluated: 2025-09-01. Review status: criteria provided, single submitter. Criteria: CeGaT Center For Human Genetics Tuebingen Variant Classification Criteria Version 2. Collection method: clinical testing. Allele origin: germline. Affected: yes. Observed: 4 variant alleles.
Comment: TRDN: BP4

Mayo Clinic Laboratories, Mayo Clinic
Classification: Likely benign. Last evaluated: 2025-08-08. Review status: criteria provided, single submitter. Criteria: ACMG Guidelines, 2015. Collection method: clinical testing. Allele origin: germline. Observed: 4 variant alleles.
Comment: BS1, BS2_supporting, BP4

PreventionGenetics, part of Exact Sciences
Classification: Likely benign for TRDN-related condition. Last evaluated: 2025-07-29. Review status: criteria provided, single submitter. Criteria: ACMG Guidelines, 2015. Collection method: clinical testing. Allele origin: germline.
Comment: This variant is classified as likely benign based on ACMG/AMP sequence variant interpretation guidelines (Richards et al. 2015 PMID: 25741868, with internal and published modifications).

Women's Health and Genetics/Laboratory Corporation of America, LabCorp
Classification: Likely benign. Last evaluated: 2025-05-23. Review status: criteria provided, single submitter. Criteria: LabCorp Variant Classification Summary - May 2015. Collection method: clinical testing. Allele origin: germline.
Comment: Variant summary: TRDN c.1367A>G (p.Gln456Arg) results in a conservative amino acid change in the encoded protein sequence. Algorithms developed to predict the effect of missense changes on protein structure and function all suggest that this variant is likely to be tolerated. Consensus agreement among computation tools predict no significant impact on normal splicing. However, these predictions have yet to be confirmed by functional studies. The variant allele was found at a frequency of 0.0012 in 247280 control chromosomes, predominantly at a frequency of 0.0019 within the Non-Finnish European subpopulation in the gnomAD database. The observed variant frequency within Non-Finnish European control individuals in the gnomAD database is approximately 1.2 fold of the estimated maximal expected allele frequency for a pathogenic variant in TRDN causing Catecholaminergic Polymorphic Ventricular Tachycardia phenotype (0.0016). To our knowledge, no experimental evidence demonstrating its impact on protein function have been reported. ClinVar contains an entry for this variant (Variation ID: 229345). Based on the evidence outlined above, the variant was classified as likely benign.

ARUP Laboratories, Molecular Genetics and Genomics, ARUP Laboratories
Classification: Uncertain significance for Catecholaminergic polymorphic ventricular tachycardia 5. Last evaluated: 2023-10-23. Review status: criteria provided, single submitter. Criteria: ARUP Molecular Germline Variant Investigation Process 2024. Collection method: clinical testing. Allele origin: germline.
Comment: The TRDN c.1367A>G; p.Gln456Arg variant (rs200243235), to our knowledge, is not reported in the medical literature but is reported in ClinVar (Variation ID: 229345). This variant is found in the non-Finnish European population with an allele frequency of 0.2% (243/127,472 alleles) in the Genome Aggregation Database. The glutamine at codon 456 is weakly conserved, but computational analyses (SIFT, PolyPhen-2) predict that this variant is deleterious. Due to limited information, the clinical significance of the p.Gln456Arg variant is uncertain at this time.

KardioGenetik, Herz- und Diabeteszentrum NRW
Classification: Uncertain significance for Catecholaminergic polymorphic ventricular tachycardia 5. Last evaluated: 2023-08-30. Review status: criteria provided, single submitter. Criteria: ACMG Guidelines, 2015. Collection method: clinical testing. Allele origin: unknown. Affected: yes. Observed: 1 variant allele.

Revvity Omics, Revvity
Classification: Uncertain significance for Catecholaminergic polymorphic ventricular tachycardia 5. Last evaluated: 2023-08-28. Review status: criteria provided, single submitter. Criteria: ACMG Guidelines, 2015. Collection method: clinical testing. Allele origin: germline.

Ambry Genetics
Classification: Likely benign for Cardiovascular phenotype. Last evaluated: 2021-05-04. Review status: criteria provided, single submitter. Criteria: Ambry Variant Classification Scheme 2023. Collection method: clinical testing. Allele origin: germline.

Laboratory for Molecular Medicine, Mass General Brigham Personalized Medicine
Classification: Uncertain significance. Last evaluated: 2016-02-16. Review status: criteria provided, single submitter. Criteria: LMM Criteria. Collection method: clinical testing. Allele origin: germline. Observed: 2 variant alleles.
Comment: Variant classified as Uncertain Significance - Favor Benign. The p.Gln457Arg var iant in TRDN has not been previously reported in individuals with cardiomyopathy , but has been identified in 0.2% (111/65742) of European chromosomes by the Exo me Aggregation Consortium (ExAC; dbSNP rs2002432 35). Computational prediction tools and conservation analysis do not provide str ong support for or against an impact to the protein. In summary, while the clini cal significance of the p.Gln457Arg variant is uncertain, its frequency suggests that it is more likely to be benign.

Clinical Genetics, Academic Medical Center
Classification: Likely benign. Review status: no assertion criteria provided. Collection method: clinical testing. Allele origin: germline. Affected: yes. Study: VKGL Data-share Consensus. Not counted in ClinVar's aggregate classification.

Joint Genome Diagnostic Labs from Nijmegen and Maastricht, Radboudumc and MUMC+
Classification: Likely benign. Review status: no assertion criteria provided. Collection method: clinical testing. Allele origin: germline. Affected: yes. Study: VKGL Data-share Consensus. Not counted in ClinVar's aggregate classification.

Literature cited by the submitters: PubMed 32746448 (cited by Mayo Clinic Laboratories, Mayo Clinic); PubMed 35932045 (cited by Mayo Clinic Laboratories, Mayo Clinic); PubMed 23035052 (cited by Ambry Genetics).